The following is an entry in ClinVar:

ClinVar aggregate classification (germline): Uncertain significance (1 of 4 stars; one submission).

Conditions:
EGFR-related lung cancer (EGFR). Identifiers: MedGen CN130014.

Allele frequency attached by ClinVar (database versions not stated): gnomAD exomes below 0.00001; TOPMed 0.00001.
gnomAD v4.1: 2 of 1,611,306 alleles (0.00012%); highest among the groups gnomAD compares: African/African-American, 0.0013%; no homozygotes.

Submission:

Labcorp Genetics (formerly Invitae), Labcorp
Classification: Uncertain significance for EGFR-related lung cancer. Last evaluated: 2023-03-01. Review status: criteria provided, single submitter. Criteria: Invitae Variant Classification Sherloc (09022015). Collection method: clinical testing. Allele origin: germline.
Comment: This variant has not been reported in the literature in individuals affected with EGFR-related conditions. ClinVar contains an entry for this variant (Variation ID: 1024007). Advanced modeling of protein sequence and biophysical properties (such as structural, functional, and spatial information, amino acid conservation, physicochemical variation, residue mobility, and thermodynamic stability) performed at Invitae indicates that this missense variant is not expected to disrupt EGFR protein function. In summary, the available evidence is currently insufficient to determine the role of this variant in disease. Therefore, it has been classified as a Variant of Uncertain Significance. This variant is not present in population databases (gnomAD no frequency). This sequence change replaces leucine, which is neutral and non-polar, with valine, which is neutral and non-polar, at codon 682 of the EGFR protein (p.Leu682Val).

NM_005228.5(EGFR):c.2044C>G (p.Leu682Val)

Gene: EGFR (epidermal growth factor receptor; plus strand). Cytogenetic location: 7p11.2.
Variant type: single nucleotide variant.
Coding change: c.2044C>G on transcript NM_005228.5 (MANE Select); coding-DNA position 2044, C replaced by G.
Protein change: p.Leu682Val; replaces leucine 682 with valine.
Molecular consequence: missense variant.
Genome position (GRCh38, 1-based): chr7:55,173,107, C>G. VCF-style: chr7-55173107-C-G. GRCh37 (hg19) VCF-style: chr7-55240800-C-G.
Other names: c.1909C>G, p.Leu637Val (NM_001346897.2, NM_001346899.2); c.2044C>G, p.Leu682Val (NM_001346898.2); c.1885C>G, p.Leu629Val (NM_001346900.2); c.1243C>G, p.Leu415Val (NM_001346941.2); short protein forms L415V, L629V, L637V, L682V.
Identifiers: ClinVar variation 1024007 (VCV001024007.10), dbSNP rs1338409357, ClinGen allele CA367583255.